The following is an entry in ClinVar:

ClinVar aggregate classification (germline): Uncertain significance (1 of 4 stars; one submission).

Submission:

GeneDx
Classification: Uncertain significance. Last evaluated: 2023-05-05. Review status: criteria provided, single submitter. Criteria: GeneDx Variant Classification Process June 2021. Collection method: clinical testing. Allele origin: germline. Affected: yes.
Comment: Not observed at significant frequency in large population cohorts (gnomAD); In silico analysis supports that this missense variant has a deleterious effect on protein structure/function; Has not been previously published as pathogenic or benign to our knowledge

NM_031844.3(HNRNPU):c.871G>A (p.Asp291Asn)

Gene: HNRNPU (heterogeneous nuclear ribonucleoprotein U; minus strand). Cytogenetic location: 1q44.
Variant type: single nucleotide variant.
Coding change: c.871G>A on transcript NM_031844.3 (MANE Select); coding-DNA position 871, G replaced by A.
Protein change: p.Asp291Asn; replaces aspartic acid 291 with asparagine.
Molecular consequence: missense variant.
Genome position (GRCh38, 1-based): chr1:244,862,467, C>T on the plus strand (G>A on the coding strand, the complement: HNRNPU is on the minus strand). VCF-style: chr1-244862467-C-T. GRCh37 (hg19) VCF-style: chr1-245025769-C-T.
Other names: c.814G>A, p.Asp272Asn (NM_004501.3); short protein forms D272N, D291N.
Identifiers: ClinVar variation 3343357 (VCV003343357.1).